The following is an entry in ClinVar:

ClinVar aggregate classification (germline): Uncertain significance (1 of 4 stars; one submission).

Conditions:
Nemaline myopathy 2 (NEM2). Also called: Nemaline myopathy 2, autosomal recessive. Identifiers: MedGen C1850569, MONDO:0009725, OMIM 256030.

gnomAD v4.1: 1 of 1,613,954 alleles (0.000062%); highest among the groups gnomAD compares: East Asian, 0.0022%; no homozygotes.

Submission:

Labcorp Genetics (formerly Invitae), Labcorp
Classification: Uncertain significance for Nemaline myopathy 2. Last evaluated: 2025-11-05. Review status: criteria provided, single submitter. Criteria: Invitae Variant Classification Sherloc (09022015). Collection method: clinical testing. Allele origin: germline.
Comment: This sequence change replaces methionine, which is neutral and non-polar, with threonine, which is neutral and polar, at codon 447 of the NEB protein (p.Met447Thr). This variant is not present in population databases (gnomAD no frequency). This variant has not been reported in the literature in individuals affected with NEB-related conditions. Experimental studies and prediction algorithms are not available or were not evaluated, and the functional significance of this variant is currently unknown. In summary, the available evidence is currently insufficient to determine the role of this variant in disease. Therefore, it has been classified as a Variant of Uncertain Significance.

NM_001164508.2(NEB):c.1340T>C (p.Met447Thr)

Gene: NEB (nebulin; minus strand). Cytogenetic location: 2q23.3.
Variant type: single nucleotide variant.
Coding change: c.1340T>C on transcript NM_001164508.2 (MANE Select); coding-DNA position 1340, T replaced by C.
Protein change: p.Met447Thr; replaces methionine 447 with threonine.
Molecular consequence: missense variant.
Genome position (GRCh38, 1-based): chr2:151,697,375, A>G on the plus strand (T>C on the coding strand, the complement: NEB is on the minus strand). VCF-style: chr2-151697375-A-G. GRCh37 (hg19) VCF-style: chr2-152553889-A-G.
Other names: c.1340T>C, p.Met447Thr (NM_001164507.2, NM_001271208.2, NM_004543.5); short protein forms M447T.
Identifiers: ClinVar variation 4697744 (VCV004697744.1).